The following is an entry in ClinVar:

ClinVar aggregate classification (germline): Uncertain significance (1 of 4 stars; one submission).

Conditions:
Hereditary cancer-predisposing syndrome. Also called: Hereditary Cancer Syndrome; Hereditary neoplastic syndrome; Neoplastic Syndromes, Hereditary; Tumor predisposition. Identifiers: Orphanet 140162, MedGen C0027672, MeSH D009386, MONDO:0015356.

Submission:

Ambry Genetics
Classification: Uncertain significance for Hereditary cancer-predisposing syndrome. Last evaluated: 2022-03-02. Review status: criteria provided, single submitter. Criteria: Ambry Variant Classification Scheme 2023. Collection method: clinical testing. Allele origin: germline.
Comment: The p.V326L variant (also known as c.976G>C), located in coding exon 8 of the POT1 gene, results from a G to C substitution at nucleotide position 976. The valine at codon 326 is replaced by leucine, an amino acid with highly similar properties. This amino acid position is not well conserved in available vertebrate species. In addition, this alteration is predicted to be tolerated by in silico analysis. Since supporting evidence is limited at this time, the clinical significance of this alteration remains unclear.

NM_015450.3(POT1):c.976G>C (p.Val326Leu)

Gene: POT1 (protection of telomeres 1; minus strand). Cytogenetic location: 7q31.33.
Variant type: single nucleotide variant.
Coding change: c.976G>C on transcript NM_015450.3 (MANE Select); coding-DNA position 976, G replaced by C.
Protein change: p.Val326Leu; replaces valine 326 with leucine.
Molecular consequence: missense variant. On other transcripts: non-coding transcript variant (3).
Genome position (GRCh38, 1-based): chr7:124,846,972, C>G on the plus strand (G>C on the coding strand, the complement: POT1 is on the minus strand). VCF-style: chr7-124846972-C-G. GRCh37 (hg19) VCF-style: chr7-124487026-C-G.
Other names: c.583G>C, p.Val195Leu (NM_001042594.2); short protein forms V326L, V195L.
Identifiers: ClinVar variation 1768142 (VCV001768142.2), dbSNP rs1407472208, ClinGen allele CA369053775.
Genomic context (GRCh38, chr7:124,846,972, plus strand): 5'-GCCCATCTCAAAAATGATACATAGTCTTACTTGTAGCAGATAGCTGTTGACATCTTTCTA[C>G]CTCGTATAATGATACTGATCCAGAGCCTATAAAAAGGAAAAGGCAAAAAAATTAAGTCCA-3'
Protein context (NP_056265.2, residues 316-336): PSSGSVSLYE[Val326Leu]ERCQQLSATI